The following is an entry in ClinVar:

NM_004329.3(BMPR1A):c.504C>G (p.Ile168Met)

Gene: BMPR1A (bone morphogenetic protein receptor type 1A; plus strand). Cytogenetic location: 10q23.2.
Variant type: single nucleotide variant.
Coding change: c.504C>G on transcript NM_004329.3 (MANE Select); coding-DNA position 504, C replaced by G.
Protein change: p.Ile168Met; replaces isoleucine 168 with methionine.
Molecular consequence: missense variant.
Genome position (GRCh38, 1-based): chr10:86,900,100, C>G. VCF-style: chr10-86900100-C-G. GRCh37 (hg19) VCF-style: chr10-88659857-C-G.
Other names: short protein forms I168M.
Identifiers: ClinVar variation 186036 (VCV000186036.11), dbSNP rs778615896, ClinGen allele CA193680.

ClinVar aggregate classification (germline): Uncertain significance. Review status: criteria provided, multiple submitters, no conflicts (2 of 4 stars). 3 submissions from 3 submitters: Uncertain significance (3). Last evaluated 2025-01-25.

Conditions:
Juvenile polyposis syndrome (JPS). Identifiers: Orphanet 2929, MedGen C0345893, MONDO:0017380, OMIM 174900.
Hereditary cancer-predisposing syndrome. Also called: Hereditary Cancer Syndrome; Neoplastic Syndromes, Hereditary; Tumor predisposition; Hereditary neoplastic syndrome. Identifiers: Orphanet 140162, MedGen C0027672, MeSH D009386, MONDO:0015356.

Allele frequency attached by ClinVar (database versions not stated): gnomAD exomes below 0.00001; ExAC 0.00001.
gnomAD v4.1: 3 of 1,613,872 alleles (0.00019%); highest among the groups gnomAD compares: South Asian, 0.0033%; no homozygotes.

Submissions (3):

Labcorp Genetics (formerly Invitae), Labcorp
Classification: Uncertain significance for Juvenile polyposis syndrome. Last evaluated: 2025-01-25. Review status: criteria provided, single submitter. Criteria: Invitae Variant Classification Sherloc (09022015). Collection method: clinical testing. Allele origin: germline.
Comment: This sequence change replaces isoleucine, which is neutral and non-polar, with methionine, which is neutral and non-polar, at codon 168 of the BMPR1A protein (p.Ile168Met). This variant is present in population databases (rs778615896, gnomAD 0.003%). This variant has not been reported in the literature in individuals affected with BMPR1A-related conditions. ClinVar contains an entry for this variant (Variation ID: 186036). Invitae Evidence Modeling of protein sequence and biophysical properties (such as structural, functional, and spatial information, amino acid conservation, physicochemical variation, residue mobility, and thermodynamic stability) indicates that this missense variant is not expected to disrupt BMPR1A protein function with a negative predictive value of 80%. In summary, the available evidence is currently insufficient to determine the role of this variant in disease. Therefore, it has been classified as a Variant of Uncertain Significance.

Color Diagnostics, LLC DBA Color Health
Classification: Uncertain significance for Hereditary cancer-predisposing syndrome. Last evaluated: 2019-04-03. Review status: criteria provided, single submitter. Criteria: ACMG Guidelines, 2015. Collection method: clinical testing. Allele origin: germline.

Ambry Genetics
Classification: Uncertain significance for Hereditary cancer-predisposing syndrome. Last evaluated: 2014-08-22. Review status: criteria provided, single submitter. Criteria: Ambry Variant Classification Scheme 2023. Collection method: clinical testing. Allele origin: germline.
Comment: The p.I168M variant (also known as c.504C>G), located in coding exon 5 of the BMPR1A gene, results from a C to G substitution at nucleotide position 504. The isoleucine at codon 168 is replaced by methionine, an amino acid with highly similar properties. This variant was not reported in population based cohorts in the following databases: Database of Single Nucleotide Polymorphisms (dbSNP), NHLBI Exome Sequencing Project (ESP), and 1000 Genomes Project. In the ESP, this variant was not observed in 6503 samples (13006 alleles) with coverage at this position. To date, this alteration has been detected with an allele frequency of approximately 0.01% (greater than 11000 alleles tested) in our clinical cohort (includes this individual). This amino acid position is highly conserved in available vertebrate species. In addition, the in silico prediction for this alteration is inconclusive. Since supporting evidence is limited at this time, the clinical significance of p.I168M remains unclear.